The following is an entry in ClinVar:

NM_001134407.3(GRIN2A):c.454C>G (p.Gln152Glu)

Gene: GRIN2A (glutamate ionotropic receptor NMDA type subunit 2A; minus strand). Cytogenetic location: 16p13.2.
Variant type: single nucleotide variant.
Coding change: c.454C>G on transcript NM_001134407.3 (MANE Select); coding-DNA position 454, C replaced by G.
Protein change: p.Gln152Glu; replaces glutamine 152 with glutamic acid.
Molecular consequence: missense variant.
Genome position (GRCh38, 1-based): chr16:9,938,512, G>C on the plus strand (C>G on the coding strand, the complement: GRIN2A is on the minus strand). VCF-style: chr16-9938512-G-C. GRCh37 (hg19) VCF-style: chr16-10032369-G-C.
Other names: c.454C>G, p.Gln152Glu (NM_000833.5, NM_001134408.2); short protein forms Q152E.
Identifiers: ClinVar variation 1360833 (VCV001360833.8), dbSNP rs1555455829, ClinGen allele CA394799496.

ClinVar aggregate classification (germline): Uncertain significance (1 of 4 stars; one submission).

Conditions:
Landau-Kleffner syndrome (FESD). Also called: APHASIA, ACQUIRED, WITH EPILEPSY; EPILEPSY, FOCAL, WITH SPEECH DISORDER AND WITH OR WITHOUT MENTAL RETARDATION. Identifiers: Orphanet 1945, Orphanet 725, Orphanet 98818, MedGen C0282512, MONDO:0009509, OMIM 245570.

Allele frequency attached by ClinVar (database versions not stated): gnomAD exomes below 0.00001.
gnomAD v4.1: 5 of 1,609,696 alleles (0.00031%); highest among the groups gnomAD compares: South Asian, 0.0055%; no homozygotes.

Submission:

Labcorp Genetics (formerly Invitae), Labcorp
Classification: Uncertain significance for Landau-Kleffner syndrome. Last evaluated: 2024-02-17. Review status: criteria provided, single submitter. Criteria: Invitae Variant Classification Sherloc (09022015). Collection method: clinical testing. Allele origin: germline.
Comment: This sequence change replaces glutamine, which is neutral and polar, with glutamic acid, which is acidic and polar, at codon 152 of the GRIN2A protein (p.Gln152Glu). This variant is not present in population databases (gnomAD no frequency). This variant has not been reported in the literature in individuals affected with GRIN2A-related conditions. ClinVar contains an entry for this variant (Variation ID: 1360833). Advanced modeling of protein sequence and biophysical properties (such as structural, functional, and spatial information, amino acid conservation, physicochemical variation, residue mobility, and thermodynamic stability) performed at Invitae indicates that this missense variant is not expected to disrupt GRIN2A protein function with a negative predictive value of 95%. In summary, the available evidence is currently insufficient to determine the role of this variant in disease. Therefore, it has been classified as a Variant of Uncertain Significance.